The following is an entry in ClinVar:

NM_006005.3(WFS1):c.1495C>G (p.Leu499Val)

Gene: WFS1 (wolframin ER transmembrane glycoprotein; plus strand). Cytogenetic location: 4p16.1.
Variant type: single nucleotide variant.
Coding change: c.1495C>G on transcript NM_006005.3 (MANE Select); coding-DNA position 1495, C replaced by G.
Protein change: p.Leu499Val; replaces leucine 499 with valine.
Molecular consequence: missense variant.
Genome position (GRCh38, 1-based): chr4:6,301,290, C>G. VCF-style: chr4-6301290-C-G. GRCh37 (hg19) VCF-style: chr4-6303017-C-G.
Other names: c.1495C>G, p.Leu499Val (NM_001145853.1); short protein forms L499V.
Identifiers: ClinVar variation 1380341 (VCV001380341.6), dbSNP rs114152068, ClinGen allele CA356175180.
Genomic context (GRCh38, chr4:6,301,290, plus strand): 5'-CCCTACCTGAAGGTCCTTGGCCAGACCTTCATCACCGTGCCTGTCGGCCACCTGGTCGTC[C>G]TCAACGTCAGCGTCCCGTGCCTGCTCTATGTCTACCTGCTCTATCTCTTCTTCCGCATGG-3'
Protein context (NP_005996.2, residues 489-509): ITVPVGHLVV[Leu499Val]NVSVPCLLYV

ClinVar aggregate classification (germline): Uncertain significance (1 of 4 stars; one submission).

gnomAD v4.1: 1 of 1,611,560 alleles (0.000062%); highest among the groups gnomAD compares: Non-Finnish European, 0.000085%; no homozygotes.

Submission:

Labcorp Genetics (formerly Invitae), Labcorp
Classification: Uncertain significance. Last evaluated: 2022-10-04. Review status: criteria provided, single submitter. Criteria: Invitae Variant Classification Sherloc (09022015). Collection method: clinical testing. Allele origin: germline.
Comment: Advanced modeling of protein sequence and biophysical properties (such as structural, functional, and spatial information, amino acid conservation, physicochemical variation, residue mobility, and thermodynamic stability) performed at Invitae indicates that this missense variant is not expected to disrupt WFS1 protein function. ClinVar contains an entry for this variant (Variation ID: 1380341). This variant has not been reported in the literature in individuals affected with WFS1-related conditions. This variant is not present in population databases (gnomAD no frequency). This sequence change replaces leucine, which is neutral and non-polar, with valine, which is neutral and non-polar, at codon 499 of the WFS1 protein (p.Leu499Val). In summary, the available evidence is currently insufficient to determine the role of this variant in disease. Therefore, it has been classified as a Variant of Uncertain Significance.